The following is an entry in ClinVar:

ClinVar aggregate classification (germline): Uncertain significance. Review status: criteria provided, multiple submitters, no conflicts (2 of 4 stars). 2 submissions from 2 submitters: Uncertain significance (2). Last evaluated 2024-04-29.

Conditions:
Carnitine palmitoyltransferase II deficiency. Also called: Carnitine Palmitoyltransferase 2 Deficiency. Identifiers: Orphanet 157, MedGen C0342790, MONDO:0015515.

Allele frequency attached by ClinVar (database versions not stated): gnomAD 0.00001; gnomAD exomes 0.00001 and 0.00002; ExAC 0.00003.
gnomAD v4.1: 20 of 1,613,914 alleles (0.0012%); highest among the groups gnomAD compares: South Asian, 0.022%; 1 homozygote.

Submissions (2):

Labcorp Genetics (formerly Invitae), Labcorp
Classification: Uncertain significance for Carnitine palmitoyltransferase II deficiency. Last evaluated: 2024-04-29. Review status: criteria provided, single submitter. Criteria: Invitae Variant Classification Sherloc (09022015). Collection method: clinical testing. Allele origin: germline.
Comment: This sequence change replaces phenylalanine, which is neutral and non-polar, with valine, which is neutral and non-polar, at codon 251 of the CPT2 protein (p.Phe251Val). This variant is present in population databases (rs771966581, gnomAD 0.02%). This variant has not been reported in the literature in individuals affected with CPT2-related conditions. ClinVar contains an entry for this variant (Variation ID: 1497471). Advanced modeling of protein sequence and biophysical properties (such as structural, functional, and spatial information, amino acid conservation, physicochemical variation, residue mobility, and thermodynamic stability) performed at Invitae indicates that this missense variant is not expected to disrupt CPT2 protein function with a negative predictive value of 80%. In summary, the available evidence is currently insufficient to determine the role of this variant in disease. Therefore, it has been classified as a Variant of Uncertain Significance.

Blueprint Genetics
Classification: Uncertain significance. Last evaluated: 2020-11-03. Review status: criteria provided, single submitter. Criteria: ACMG Guidelines, 2015. Collection method: clinical testing. Allele origin: germline.

NM_000098.3(CPT2):c.751T>G (p.Phe251Val)

Gene: CPT2 (carnitine palmitoyltransferase 2; plus strand). Cytogenetic location: 1p32.3.
Variant type: single nucleotide variant.
Coding change: c.751T>G on transcript NM_000098.3 (MANE Select); coding-DNA position 751, T replaced by G.
Protein change: p.Phe251Val; replaces phenylalanine 251 with valine.
Molecular consequence: missense variant.
Genome position (GRCh38, 1-based): chr1:53,210,425, T>G. VCF-style: chr1-53210425-T-G. GRCh37 (hg19) VCF-style: chr1-53676097-T-G.
Other names: c.751T>G, p.Phe251Val (NM_001330589.2); short protein forms F251V.
Identifiers: ClinVar variation 1497471 (VCV001497471.7), dbSNP rs771966581, ClinGen allele CA859041.